The following is an entry in ClinVar:

NM_000553.6(WRN):c.20A>T (p.Glu7Val)

Gene: WRN (WRN RecQ like helicase; plus strand). Cytogenetic location: 8p12.
Variant type: single nucleotide variant.
Coding change: c.20A>T on transcript NM_000553.6 (MANE Select); coding-DNA position 20, A replaced by T.
Protein change: p.Glu7Val; replaces glutamic acid 7 with valine.
Molecular consequence: missense variant.
Genome position (GRCh38, 1-based): chr8:31,058,467, A>T. VCF-style: chr8-31058467-A-T. GRCh37 (hg19) VCF-style: chr8-30915983-A-T.
Other names: short protein forms E7V.
Identifiers: ClinVar variation 2880289 (VCV002880289.3), dbSNP rs2487266029, ClinGen allele CA370912032.
Genomic context (GRCh38, chr8:31,058,467, plus strand): 5'-AGACATTGTTTTTTGGACTCTGCAAATAGGACATTTCAAAGATGAGTGAAAAAAAATTGG[A>T]AACAACTGCACAGCAGCGGAAATGTCCTGAATGGATGAATGTGCAGAATAAAAGATGTGC-3'
Protein context (NP_000544.2, residues 1-17): MSEKKL[Glu7Val]TTAQQRKCPE

ClinVar aggregate classification (germline): Uncertain significance (1 of 4 stars; one submission).

Conditions:
Werner syndrome (WRN). Identifiers: Orphanet 902, MedGen C0043119, MONDO:0010196, OMIM 277700.

Submission:

Labcorp Genetics (formerly Invitae), Labcorp
Classification: Uncertain significance for Werner syndrome. Last evaluated: 2023-11-29. Review status: criteria provided, single submitter. Criteria: Invitae Variant Classification Sherloc (09022015). Collection method: clinical testing. Allele origin: germline.
Comment: This sequence change replaces glutamic acid, which is acidic and polar, with valine, which is neutral and non-polar, at codon 7 of the WRN protein (p.Glu7Val). This variant is not present in population databases (gnomAD no frequency). This variant has not been reported in the literature in individuals affected with WRN-related conditions. An algorithm developed to predict the effect of missense changes on protein structure and function (PolyPhen-2) suggests that this variant is likely to be tolerated. In summary, the available evidence is currently insufficient to determine the role of this variant in disease. Therefore, it has been classified as a Variant of Uncertain Significance.